The following is an entry in ClinVar:

ClinVar aggregate classification (germline): Benign. Review status: criteria provided, multiple submitters, no conflicts (2 of 4 stars). 2 submissions from 2 submitters: Benign (2). Last evaluated 2026-09-01.

Allele frequency attached by ClinVar (database versions not stated): 1000 Genomes Project 30x 0.00484; 1000 Genomes Project 0.00539; TOPMed 0.00747; gnomAD 0.00798 and 0.00811; ESP Exome Variant Server 0.00818; ExAC 0.00854; gnomAD exomes 0.00869 and 0.01286.
gnomAD v4.1: 20,003 of 1,613,944 alleles (1.2%); highest among the groups gnomAD compares: Non-Finnish European, 1.5%; 160 homozygotes.

Submissions (2):

CeGaT Center for Human Genetics Tuebingen
Classification: Benign. Last evaluated: 2026-09-01. Review status: criteria provided, single submitter. Criteria: CeGaT Center For Human Genetics Tuebingen Variant Classification Criteria Version 2. Collection method: clinical testing. Allele origin: germline. Affected: yes. Observed: 76 variant alleles.
Comment: KMT2B: BP4, BS1, BS2

Labcorp Genetics (formerly Invitae), Labcorp
Classification: Benign. Last evaluated: 2026-02-03. Review status: criteria provided, single submitter. Criteria: Invitae Variant Classification Sherloc (09022015). Collection method: clinical testing. Allele origin: germline.

NM_014727.3(KMT2B):c.5276+8G>A

Gene: KMT2B (lysine methyltransferase 2B; plus strand). Cytogenetic location: 19q13.12.
Variant type: single nucleotide variant.
Coding change: c.5276+8G>A on transcript NM_014727.3 (MANE Select); 8 bases into the intron after coding-DNA position 5276, G replaced by A.
Molecular consequence: intron variant.
Genome position (GRCh38, 1-based): chr19:35,730,624, G>A. VCF-style: chr19-35730624-G-A. GRCh37 (hg19) VCF-style: chr19-36221525-G-A.
Identifiers: ClinVar variation 769970 (VCV000769970.39), dbSNP rs116914530, ClinGen allele CA9385353.
Genomic context (GRCh38, chr19:35,730,624, plus strand): 5'-ACTCTGTCTGATCTCTCGGACTGCGAGGGACGGCTCTTCCCCATTGGCTACCAGTGAGCG[G>A]TCGGGGTGATCCATGGGGCCAGGGGACTCCATAGCTGGATCCCATTTCCCAAGCATCCTA-3'